The following is an entry in ClinVar:

NM_005045.4(RELN):c.289A>G (p.Ser97Gly)

Gene: RELN (reelin; minus strand). Cytogenetic location: 7q22.1.
Variant type: single nucleotide variant.
Coding change: c.289A>G on transcript NM_005045.4 (MANE Select); coding-DNA position 289, A replaced by G.
Protein change: p.Ser97Gly; replaces serine 97 with glycine.
Molecular consequence: missense variant.
Genome position (GRCh38, 1-based): chr7:103,917,123, T>C on the plus strand (A>G on the coding strand, the complement: RELN is on the minus strand). VCF-style: chr7-103917123-T-C. GRCh37 (hg19) VCF-style: chr7-103557570-T-C.
Other names: c.289A>G, p.Ser97Gly (NM_173054.3); short protein forms S97G.
Identifiers: ClinVar variation 2940284 (VCV002940284.3), dbSNP rs1795500406, ClinGen allele CA368931065.
Genomic context (GRCh38, chr7:103,917,123, plus strand): 5'-AGAATAGCTTACCAAATCCGAAAGCACTGGAACCTCCAATGCTCTGTGATGCCTGAACAC[T>C]TGTAGATGTGTATAGTCCTGTCACCAGCAAGCCGTCAAAAAAGGTGCTTGTTGAAATTGT-3'
Protein context (NP_005036.2, residues 87-107): LLVTGLYTST[Ser97Gly]VQASQSIGGS

ClinVar aggregate classification (germline): Uncertain significance (1 of 4 stars; one submission).

Conditions:
Norman-Roberts syndrome (LIS2). Also called: Lissencephaly 2 (Norman-Roberts type). Identifiers: Orphanet 89844, MedGen C0796089, MONDO:0009760, OMIM 257320.
Familial temporal lobe epilepsy 7. Identifiers: Orphanet 101046, MedGen C4225327, MONDO:0014639, OMIM 616436.

Allele frequency attached by ClinVar (database versions not stated): gnomAD exomes below 0.00001; TOPMed below 0.00001; gnomAD 0.00001.
gnomAD v4.1: 4 of 1,613,602 alleles (0.00025%); highest among the groups gnomAD compares: African/African-American, 0.0053%; no homozygotes.

Submission:

Labcorp Genetics (formerly Invitae), Labcorp
Classification: Uncertain significance for Familial temporal lobe epilepsy 7; Norman-Roberts syndrome. Last evaluated: 2025-04-07. Review status: criteria provided, single submitter. Criteria: Invitae Variant Classification Sherloc (09022015). Collection method: clinical testing. Allele origin: germline.
Comment: This sequence change replaces serine, which is neutral and polar, with glycine, which is neutral and non-polar, at codon 97 of the RELN protein (p.Ser97Gly). This variant is not present in population databases (gnomAD no frequency). This variant has not been reported in the literature in individuals affected with RELN-related conditions. ClinVar contains an entry for this variant (Variation ID: 2940284). Invitae Evidence Modeling of protein sequence and biophysical properties (such as structural, functional, and spatial information, amino acid conservation, physicochemical variation, residue mobility, and thermodynamic stability) indicates that this missense variant is not expected to disrupt RELN protein function with a negative predictive value of 80%. In summary, the available evidence is currently insufficient to determine the role of this variant in disease. Therefore, it has been classified as a Variant of Uncertain Significance.